The following is an entry in ClinVar:

ClinVar aggregate classification (germline): Uncertain significance (1 of 4 stars; one submission).

Conditions:
Inborn genetic diseases. Identifiers: MedGen C0950123, MeSH D030342.

gnomAD v4.1: 8 of 1,613,850 alleles (0.0005%); highest among the groups gnomAD compares: African/African-American, 0.0013%; no homozygotes.

Submission:

Ambry Genetics
Classification: Uncertain significance for Inborn genetic diseases. Last evaluated: 2026-08-17. Review status: criteria provided, single submitter. Criteria: Ambry Variant Classification Scheme 2023. Collection method: clinical testing. Allele origin: germline.
Comment: The c.3676T>C (p.C1226R) alteration is located in exon 22 (coding exon 22) of the EVC2 gene. This alteration results from a T to C substitution at nucleotide position 3676, causing the cysteine (C) at amino acid position 1226 to be replaced by an arginine (R). Based on data from gnomAD, the C allele has an overall frequency of <0.001% (1/251172) total alleles studied. The highest observed frequency was 0.006% (1/16162) of African alleles. Based on insufficient or conflicting evidence, the clinical significance of this alteration remains unclear.

NM_147127.5(EVC2):c.3676T>C (p.Cys1226Arg)

Gene: EVC2 (EvC ciliary complex subunit 2; minus strand). Cytogenetic location: 4p16.2.
Variant type: single nucleotide variant.
Coding change: c.3676T>C on transcript NM_147127.5 (MANE Select); coding-DNA position 3676, T replaced by C.
Protein change: p.Cys1226Arg; replaces cysteine 1226 with arginine.
Molecular consequence: missense variant.
Genome position (GRCh38, 1-based): chr4:5,563,099, A>G on the plus strand (T>C on the coding strand, the complement: EVC2 is on the minus strand). VCF-style: chr4-5563099-A-G. GRCh37 (hg19) VCF-style: chr4-5564826-A-G.
Other names: c.3436T>C, p.Cys1146Arg (NM_001166136.2); short protein forms C1226R, C1146R.
Identifiers: ClinVar variation 5036238 (VCV005036238.1).
Genomic context (GRCh38, chr4:5,563,099, plus strand): 5'-GTGACAGGTGTGGCCAACTTCCTTTTCCAGAGAATATCATCCTCTCTCTGAGAGGGAGAC[A>G]TGTCTTCTTTAATATGCTAAAGAAATAGCAAAAGATCAAATTCAATATTTTTGGCAATGA-3'
Protein context (NP_667338.3, residues 1216-1236): KRKQSILKKT[Cys1226Arg]LPLRERMIFS